The following is an entry in ClinVar:

NM_003185.4(TAF4):c.993C>G (p.Pro331=)

Genes: MIR3195 (microRNA 3195; plus strand), TAF4 (TATA-box binding protein associated factor 4; minus strand). Cytogenetic location: 20q13.33.
Variant type: single nucleotide variant.
Coding change: c.993C>G on transcript NM_003185.4 (MANE Select); coding-DNA position 993, C replaced by G.
Protein change: p.Pro331=; no amino-acid change (proline 331 retained).
Molecular consequence: synonymous variant. On other transcripts: non-coding transcript variant (1).
Genome position (GRCh38, 1-based): chr20:62,064,818, G>C on the plus strand (C>G on the coding strand, the complement: TAF4 is on the minus strand). VCF-style: chr20-62064818-G-C. GRCh37 (hg19) VCF-style: chr20-60639874-G-C.
Identifiers: ClinVar variation 4821997 (VCV004821997.4).

ClinVar aggregate classification (germline): Likely benign (1 of 4 stars; one submission).

gnomAD v4.1: 89 of 979,422 alleles (0.0091%); highest among the groups gnomAD compares: African/African-American, 0.14%; no homozygotes.

Submission:

CeGaT Center for Human Genetics Tuebingen
Classification: Likely benign. Last evaluated: 2026-03-01. Review status: criteria provided, single submitter. Criteria: CeGaT Center For Human Genetics Tuebingen Variant Classification Criteria Version 2. Collection method: clinical testing. Allele origin: germline. Affected: yes. Observed: 1 variant allele.
Comment: TAF4: BP4, BP7